The following is an entry in ClinVar:

NM_001018111.3(PODXL):c.1115C>T (p.Ser372Leu)

Gene: PODXL (podocalyxin like; minus strand). Cytogenetic location: 7q32.3.
Variant type: single nucleotide variant.
Coding change: c.1115C>T on transcript NM_001018111.3 (MANE Select); coding-DNA position 1115, C replaced by T.
Protein change: p.Ser372Leu; replaces serine 372 with leucine.
Molecular consequence: missense variant.
Genome position (GRCh38, 1-based): chr7:131,506,713, G>A on the plus strand (C>T on the coding strand, the complement: PODXL is on the minus strand). VCF-style: chr7-131506713-G-A. GRCh37 (hg19) VCF-style: chr7-131191472-G-A.
Other names: c.1019C>T, p.Ser340Leu (NM_005397.4); short protein forms S340L, S372L.
Identifiers: ClinVar variation 2992348 (VCV002992348.3), dbSNP rs761990963, ClinGen allele CA369299980.

ClinVar aggregate classification (germline): Uncertain significance (1 of 4 stars; one submission).

Allele frequency attached by ClinVar (database versions not stated): gnomAD exomes below 0.00001; gnomAD 0.00001.
gnomAD v4.1: 8 of 1,614,016 alleles (0.0005%); highest among the groups gnomAD compares: South Asian, 0.0044%; no homozygotes.

Submission:

Labcorp Genetics (formerly Invitae), Labcorp
Classification: Uncertain significance. Last evaluated: 2022-11-22. Review status: criteria provided, single submitter. Criteria: Invitae Variant Classification Sherloc (09022015). Collection method: clinical testing. Allele origin: germline.
Comment: In summary, the available evidence is currently insufficient to determine the role of this variant in disease. Therefore, it has been classified as a Variant of Uncertain Significance. Algorithms developed to predict the effect of missense changes on protein structure and function output the following: SIFT: "Tolerated"; PolyPhen-2: "Benign"; Align-GVGD: "Class C0". The leucine amino acid residue is found in multiple mammalian species, which suggests that this missense change does not adversely affect protein function. This variant has not been reported in the literature in individuals affected with PODXL-related conditions. This variant is present in population databases (no rsID available, gnomAD 0.003%). This sequence change replaces serine, which is neutral and polar, with leucine, which is neutral and non-polar, at codon 340 of the PODXL protein (p.Ser340Leu).